The following is an entry in ClinVar:

ClinVar aggregate classification (germline): Benign. Review status: criteria provided, multiple submitters, no conflicts (2 of 4 stars). 3 submissions from 2 submitters: Benign (3). Last evaluated 2018-01-12.

Conditions:
Hypertrophic osteoarthropathy, primary, autosomal recessive, 1 (PHOAR1). Also called: PHO, AUTOSOMAL RECESSIVE. Identifiers: Orphanet 1525, Orphanet 2796, MedGen C4551679, MONDO:0024546, OMIM 259100.
Isolated congenital digital clubbing. Also called: ACROPACHY, HEREDITARY; CLUBBING OF DIGITS. Identifiers: Orphanet 217059, MedGen C0345408, MONDO:0007343, OMIM 119900.

Allele frequency attached by ClinVar (database versions not stated): 1000 Genomes Project 30x 0.38757; 1000 Genomes Project 0.39277; TOPMed 0.46350; gnomAD 0.48638 and 0.48994; gnomAD exomes 0.60580.

Submissions (3):

Illumina Laboratory Services, Illumina
Classification: Benign for Hypertrophic osteoarthropathy, primary, autosomal recessive, 1. Last evaluated: 2018-01-12. Review status: criteria provided, single submitter. Criteria: ICSL Variant Classification Criteria 13 December 2019. Collection method: clinical testing. Allele origin: germline.
Comment: This variant was observed in the ICSL laboratory as part of a predisposition screen in an ostensibly healthy population. It had not been previously curated by ICSL or reported in the Human Gene Mutation Database (HGMD: prior to June 1st, 2018), and was therefore a candidate for classification through an automated scoring system. Utilizing variant allele frequency, disease prevalence and penetrance estimates, and inheritance mode, an automated score was calculated to assess if this variant is too frequent to cause the disease. Based on the score and internal cut-off values, a variant classified as benign is not then subjected to further curation. The score for this variant resulted in a classification of benign for this disease.

Illumina Laboratory Services, Illumina
Classification: Benign for Isolated congenital digital clubbing. Last evaluated: 2018-01-12. Review status: criteria provided, single submitter. Criteria: ICSL Variant Classification Criteria 13 December 2019. Collection method: clinical testing. Allele origin: germline.
Comment: the same text as in the submission from Illumina Laboratory Services, Illumina above.

Breakthrough Genomics
Classification: Benign. Review status: criteria provided, single submitter. Criteria: ACMG Guidelines, 2015. Collection method: not provided. Allele origin: germline. Inheritance: Autosomal recessive inheritance. Affected: yes.

NM_000860.6(HPGD):c.*630G>A

Gene: HPGD (15-hydroxyprostaglandin dehydrogenase; minus strand). Cytogenetic location: 4q34.1.
Variant type: single nucleotide variant.
Coding change: c.*630G>A on transcript NM_000860.6 (MANE Select); 630 bases downstream of the stop codon, G replaced by A.
Molecular consequence: 3 prime UTR variant.
Genome position (GRCh38, 1-based): chr4:174,491,326, C>T on the plus strand (G>A on the coding strand, the complement: HPGD is on the minus strand). VCF-style: chr4-174491326-C-T. GRCh37 (hg19) VCF-style: chr4-175412477-C-T.
Other names: c.*730G>A (NM_001145816.3); c.*630G>A (NM_001256301.1, NM_001256306.2, NM_001256307.2); c.*758G>A (NM_001256305.2).
Identifiers: ClinVar variation 348188 (VCV000348188.6), dbSNP rs8752, ClinGen allele CA10620476.
Genomic context (GRCh38, chr4:174,491,326, plus strand): 5'-GGAGTCGGTAAAAGTTCTTAAAGTGAGCAGAGGAAAGAAATGTCTTTCCCAGATAGGAGG[C>T]TGAACTGTGAATCAACAGTGTCAATCAGTTACTTTCTGTCATTTTTCCATACAGCAGTTT-3'